The following is an entry in ClinVar:

ClinVar aggregate classification (germline): Benign/Likely benign. Review status: criteria provided, multiple submitters, no conflicts (2 of 4 stars). 7 submissions from 7 submitters: Benign (3); Likely benign (1). 3 of the submissions do not count toward it. Last evaluated 2026-01-26.

Conditions:
Occult macular dystrophy (OCMD). Also called: OMD; OCCULT MACULAR DYSTROPHY, SUSCEPTIBILITY TO. Identifiers: Orphanet 247834, MedGen C3150833, MONDO:0013316, OMIM 613587, HP:0030636.
Retinitis pigmentosa 88. Identifiers: MedGen C5394208, MONDO:0032940, OMIM 618826.

Allele frequency attached by ClinVar (database versions not stated): ExAC 0.00600; 1000 Genomes Project 0.00919; 1000 Genomes Project 30x 0.00953; ESP Exome Variant Server 0.00206; gnomAD 0.00208 and 0.00305; TOPMed 0.00238.
gnomAD v4.1: 6,370 of 1,613,960 alleles (0.39%); highest among the groups gnomAD compares: South Asian, 2.7%; 81 homozygotes.

Submissions (7):

Labcorp Genetics (formerly Invitae), Labcorp
Classification: Benign. Last evaluated: 2026-01-26. Review status: criteria provided, single submitter. Criteria: Invitae Variant Classification Sherloc (09022015). Collection method: clinical testing. Allele origin: germline.

Fulgent Genetics
Classification: Likely benign for Occult macular dystrophy; Retinitis pigmentosa 88. Last evaluated: 2021-10-16. Review status: criteria provided, single submitter. Criteria: ACMG Guidelines, 2015. Collection method: clinical testing. Allele origin: unknown.

Illumina Laboratory Services, Illumina
Classification: Benign for Occult macular dystrophy. Last evaluated: 2018-01-12. Review status: criteria provided, single submitter. Criteria: ICSL Variant Classification Criteria 13 December 2019. Collection method: clinical testing. Allele origin: germline.
Comment: This variant was observed in the ICSL laboratory as part of a predisposition screen in an ostensibly healthy population. It had not been previously curated by ICSL or reported in the Human Gene Mutation Database (HGMD: prior to June 1st, 2018), and was therefore a candidate for classification through an automated scoring system. Utilizing variant allele frequency, disease prevalence and penetrance estimates, and inheritance mode, an automated score was calculated to assess if this variant is too frequent to cause the disease. Based on the score and internal cut-off values, a variant classified as benign is not then subjected to further curation. The score for this variant resulted in a classification of benign for this disease.

Breakthrough Genomics
Classification: Benign. Review status: criteria provided, single submitter. Criteria: ACMG Guidelines, 2015. Collection method: not provided. Allele origin: germline. Inheritance: Autosomal recessive inheritance. Affected: yes.

Clinical Genetics DNA and cytogenetics Diagnostics Lab, Erasmus MC, Erasmus Medical Center
Classification: Benign. Review status: no assertion criteria provided. Collection method: clinical testing. Allele origin: germline. Affected: yes. Study: VKGL Data-share Consensus. Not counted in ClinVar's aggregate classification.

Clinical Genetics, Academic Medical Center
Classification: Benign. Review status: no assertion criteria provided. Collection method: clinical testing. Allele origin: germline. Affected: yes. Study: VKGL Data-share Consensus. Not counted in ClinVar's aggregate classification.

Joint Genome Diagnostic Labs from Nijmegen and Maastricht, Radboudumc and MUMC+
Classification: Benign. Review status: no assertion criteria provided. Collection method: clinical testing. Allele origin: germline. Affected: yes. Study: VKGL Data-share Consensus. Not counted in ClinVar's aggregate classification.

NM_178857.6(RP1L1):c.444T>G (p.Leu148=)

Gene: RP1L1 (RP1 like 1). Cytogenetic location: 8p23.1.
Variant type: single nucleotide variant.
Coding change: c.444T>G on transcript NM_178857.6 (MANE Select); coding-DNA position 444, T replaced by G.
Protein change: p.Leu148=; no amino-acid change (leucine 148 retained).
Molecular consequence: synonymous variant.
Genome position (GRCh38, 1-based): chr8:10,622,758, A>C on the plus strand (T>G on the coding strand, the complement: RP1L1 is on the minus strand). VCF-style: chr8-10622758-A-C. GRCh37 (hg19) VCF-style: chr8-10480268-A-C.
Identifiers: ClinVar variation 361409 (VCV000361409.22), dbSNP rs112609335, ClinGen allele CA4625698.